The following is an entry in ClinVar:

ClinVar aggregate classification (germline): Uncertain significance (1 of 4 stars; one submission).

Allele frequency attached by ClinVar (database versions not stated): gnomAD exomes below 0.00001; ExAC 0.00001.

Submission:

Labcorp Genetics (formerly Invitae), Labcorp
Classification: Uncertain significance. Last evaluated: 2023-04-07. Review status: criteria provided, single submitter. Criteria: Invitae Variant Classification Sherloc (09022015). Collection method: clinical testing. Allele origin: germline.
Comment: This variant is present in population databases (rs780589600, gnomAD 0.002%). In summary, the available evidence is currently insufficient to determine the role of this variant in disease. Therefore, it has been classified as a Variant of Uncertain Significance. Advanced modeling of protein sequence and biophysical properties (such as structural, functional, and spatial information, amino acid conservation, physicochemical variation, residue mobility, and thermodynamic stability) performed at Invitae indicates that this missense variant is not expected to disrupt DEAF1 protein function. This variant has not been reported in the literature in individuals affected with DEAF1-related conditions. This sequence change replaces aspartic acid, which is acidic and polar, with asparagine, which is neutral and polar, at codon 399 of the DEAF1 protein (p.Asp399Asn).

NM_021008.4(DEAF1):c.1195G>A (p.Asp399Asn)

Gene: DEAF1 (DEAF1 transcription factor; minus strand). Cytogenetic location: 11p15.5.
Variant type: single nucleotide variant.
Coding change: c.1195G>A on transcript NM_021008.4 (MANE Select); coding-DNA position 1195, G replaced by A.
Protein change: p.Asp399Asn; replaces aspartic acid 399 with asparagine.
Molecular consequence: missense variant.
Genome position (GRCh38, 1-based): chr11:678,754, C>T on the plus strand (G>A on the coding strand, the complement: DEAF1 is on the minus strand). VCF-style: chr11-678754-C-T. GRCh37 (hg19) VCF-style: chr11-678754-C-T.
Other names: c.928G>A, p.Asp310Asn (NM_001293634.2); c.469G>A, p.Asp157Asn (NM_001367390.1); short protein forms D157N, D310N, D399N.
Identifiers: ClinVar variation 2833358 (VCV002833358.3), dbSNP rs780589600, ClinGen allele CA5786283.
Genomic context (GRCh38, chr11:678,754, plus strand): 5'-CTATTTTGGGATGTGACGTTGGCAACGCAGCTTCTGGAAACGGTGCGATCTGGCAGCTGT[C>T]CTGATAGCCGGGGTAGTGAGGCTCAGGGTGGCTGGCCCTGCATGGGGGCTGCACGCTGGC-3'
Protein context (NP_066288.2, residues 389-409): HPEPHYPGYQ[Asp399Asn]SCQIAPFPEA